The following is an entry in ClinVar:

ClinVar aggregate classification (germline): Conflicting classifications of pathogenicity. Review status: criteria provided, conflicting classifications (1 of 4 stars). 5 submissions from 5 submitters: Uncertain significance (1); Likely benign (3). 1 of the submissions does not count toward it. Last evaluated 2026-01-26.

Conditions:
Hereditary cancer-predisposing syndrome. Also called: Hereditary Cancer Syndrome; Tumor predisposition; Neoplastic Syndromes, Hereditary; Hereditary neoplastic syndrome. Identifiers: Orphanet 140162, MedGen C0027672, MeSH D009386, MONDO:0015356.
Birt-Hogg-Dube syndrome. Also called: Birt Hogg Dubé syndrome. Identifiers: Orphanet 122, MedGen C0346010, MONDO:0800444.
Birt-Hogg-Dube syndrome 1 (BHD1). Also called: FIBROFOLLICULOMAS WITH TRICHODISCOMAS AND ACROCHORDONS. Identifiers: Orphanet 122, MedGen CN375946, MONDO:0800445, OMIM 135150.
FLCN-related disorder. Also called: FLCN-related condition.

Submissions (5):

Labcorp Genetics (formerly Invitae), Labcorp
Classification: Likely benign for Birt-Hogg-Dube syndrome. Last evaluated: 2026-01-26. Review status: criteria provided, single submitter. Criteria: Invitae Variant Classification Sherloc (09022015). Collection method: clinical testing. Allele origin: germline.

Myriad Genetics, Inc.
Classification: Likely benign for Birt-Hogg-Dube syndrome 1. Last evaluated: 2024-08-08. Review status: criteria provided, single submitter. Criteria: Myriad Autosomal Dominant, Autosomal Recessive and X-Linked Classification Criteria (2023). Collection method: clinical testing. Allele origin: unknown.
Comment: This variant is considered likely benign. This variant is intronic and is not expected to impact mRNA splicing. This variant has been observed at a population frequency that is significantly greater than expected given the associated disease prevalence and penetrance.

GeneDx
Classification: Likely benign. Last evaluated: 2022-05-11. Review status: criteria provided, single submitter. Criteria: GeneDx Variant Classification Process June 2021. Collection method: clinical testing. Allele origin: germline. Affected: yes.
Comment: See Variant Classification Assertion Criteria.

Sema4
Classification: Uncertain significance for Hereditary cancer-predisposing syndrome. Last evaluated: 2021-10-19. Review status: criteria provided, single submitter. Criteria: Sema4 Curation Guidelines. Collection method: curation. Allele origin: germline.
Comment: The FLCN c.1433-20_1433-10del variant has not been reported in the literature to our knowledge. It was observed in 3/24958 chromosomes of the African/African American subpopulation in the Genome Aggregation Database (PMID: 32461654). The variant has not been reported in ClinVar. The evidence is insufficient to meet ACMG/AMP criteria for classifying the variant as benign or pathogenic. Thus, the clinical significance of this variant is currently uncertain.

PreventionGenetics, part of Exact Sciences
Classification: Likely benign for FLCN-related condition. Last evaluated: 2023-07-31. Review status: no assertion criteria provided. Collection method: clinical testing. Allele origin: germline. Not counted in ClinVar's aggregate classification.
Comment: This variant is classified as likely benign based on ACMG/AMP sequence variant interpretation guidelines (Richards et al. 2015 PMID: 25741868, with internal and published modifications).

NM_144997.7(FLCN):c.1433-20_1433-10del

Gene: FLCN (folliculin; minus strand). Cytogenetic location: 17p11.2.
Variant type: Deletion.
Coding change: c.1433-20_1433-10del on transcript NM_144997.7 (MANE Select); 20 bases into the intron before coding-DNA position 1433 through 10 bases into the intron before coding-DNA position 1433, 11 bases deleted (GCCCCTGCCCT).
Molecular consequence: intron variant.
Genome position (GRCh38, 1-based): chr17:17,215,100-17,215,110, AGGGCAGGGGC deleted on the plus strand (GCCCCTGCCCT on the coding strand, the reverse complement: FLCN is on the minus strand); deleting any 11 consecutive bases within chr17:17,215,100-17,215,112 gives the same sequence; the c. name uses the placement nearest the transcript's 3' end. VCF-style (leftmost placement, unchanged base first): chr17-17215099-AAGGGCAGGGGC-A. GRCh37 (hg19) VCF-style: chr17-17118413-AAGGGCAGGGGC-A.
Other names: c.1433-20_1433-10del (NM_001353231.2, NM_001353230.2); c.1487-20_1487-10del (NM_001353229.2); c.1433-20_1433-10del11 (NM_144997.5).
Identifiers: ClinVar variation 1590756 (VCV001590756.14), dbSNP rs1380029891, ClinGen allele CA625314018.